The following is an entry in ClinVar:

ClinVar aggregate classification (germline): Uncertain significance (1 of 4 stars; one submission).

Conditions:
Aortic aneurysm, familial thoracic 4 (AAT4). Also called: AORTIC ANEURYSM/AORTIC DISSECTION AND PATENT DUCTUS ARTERIOSUS. Identifiers: MedGen C1851504, MONDO:0007568, OMIM 132900.

Allele frequency attached by ClinVar (database versions not stated): gnomAD exomes below 0.00001 and 0.00001.
gnomAD v4.1: 9 of 1,613,164 alleles (0.00056%); highest among the groups gnomAD compares: South Asian, 0.0011%; no homozygotes.

Submission:

Labcorp Genetics (formerly Invitae), Labcorp
Classification: Uncertain significance for Aortic aneurysm, familial thoracic 4. Last evaluated: 2023-05-20. Review status: criteria provided, single submitter. Criteria: Invitae Variant Classification Sherloc (09022015). Collection method: clinical testing. Allele origin: germline.
Comment: In summary, the available evidence is currently insufficient to determine the role of this variant in disease. Therefore, it has been classified as a Variant of Uncertain Significance. Variants that disrupt the consensus splice site are a relatively common cause of aberrant splicing (PMID: 17576681, 9536098). Algorithms developed to predict the effect of sequence changes on RNA splicing suggest that this variant is not likely to affect RNA splicing. ClinVar contains an entry for this variant (Variation ID: 1016580). This variant has been observed in individual(s) with thoracic aortic aneurysm and dissection (Invitae). This variant is present in population databases (no rsID available, gnomAD 0.003%). This sequence change falls in intron 28 of the MYH11 gene. It does not directly change the encoded amino acid sequence of the MYH11 protein. It affects a nucleotide within the consensus splice site.

Literature cited by the submitters: PubMed 17576681; PubMed 9536098.

NM_002474.3(MYH11):c.3652-3C>T

Gene: MYH11 (myosin heavy chain 11; minus strand). Cytogenetic location: 16p13.11.
Variant type: single nucleotide variant.
Coding change: c.3652-3C>T on transcript NM_002474.3 (MANE Select); 3 bases into the intron before coding-DNA position 3652, C replaced by T.
Molecular consequence: intron variant.
Genome position (GRCh38, 1-based): chr16:15,727,057, G>A on the plus strand (C>T on the coding strand, the complement: MYH11 is on the minus strand). VCF-style: chr16-15727057-G-A. GRCh37 (hg19) VCF-style: chr16-15820914-G-A.
Other names: c.3652-3C>T (NM_022844.3); c.3673-3C>T (NM_001040114.2, NM_001040113.2).
Identifiers: ClinVar variation 1016580 (VCV001016580.8), dbSNP rs1431797854, ClinGen allele CA621181319.
Genomic context (GRCh38, chr16:15,727,057, plus strand): 5'-CCAGGTCTGCGTTCTCTTTCTCCAGCGTCTGCTTATTCTTGTCTAGGTTCGCCTTGGCCT[G>A]GCGAAGGAAGCAGAGGGGAGGGATAACAGGGAGGCTGTGGCCGGGAGAACGTTTCAGGCC-3'